The following is an entry in ClinVar:

ClinVar aggregate classification (germline): Benign/Likely benign. Review status: criteria provided, multiple submitters, no conflicts (2 of 4 stars). 2 submissions from 2 submitters: Benign (1); Likely benign (1). Last evaluated 2025-09-01.

Allele frequency attached by ClinVar (database versions not stated): ESP Exome Variant Server 0.00031; 1000 Genomes Project 0.00040; gnomAD 0.00041 and 0.00053; TOPMed 0.00049; gnomAD exomes 0.00053 and 0.00099; 1000 Genomes Project 30x 0.00062; ExAC 0.00101.
gnomAD v4.1: 866 of 1,614,154 alleles (0.054%); highest among the groups gnomAD compares: South Asian, 0.42%; 5 homozygotes.

Submissions (2):

CeGaT Center for Human Genetics Tuebingen
Classification: Likely benign. Last evaluated: 2025-09-01. Review status: criteria provided, single submitter. Criteria: CeGaT Center For Human Genetics Tuebingen Variant Classification Criteria Version 2. Collection method: clinical testing. Allele origin: germline. Affected: yes. Observed: 1 variant allele.
Comment: REV3L: BP4, BP7

Labcorp Genetics (formerly Invitae), Labcorp
Classification: Benign. Last evaluated: 2019-12-31. Review status: criteria provided, single submitter. Criteria: Invitae Variant Classification Sherloc (09022015). Collection method: clinical testing. Allele origin: germline.

NM_001372078.1(REV3L):c.5163T>C (p.Gly1721=)

Gene: REV3L (REV3 like, DNA directed polymerase zeta catalytic subunit; minus strand). Cytogenetic location: 6q21.
Variant type: single nucleotide variant.
Coding change: c.5163T>C on transcript NM_001372078.1 (MANE Select); coding-DNA position 5163, T replaced by C.
Protein change: p.Gly1721=; no amino-acid change (glycine 1721 retained).
Molecular consequence: synonymous variant.
Genome position (GRCh38, 1-based): chr6:111,373,192, A>G on the plus strand (T>C on the coding strand, the complement: REV3L is on the minus strand). VCF-style: chr6-111373192-A-G. GRCh37 (hg19) VCF-style: chr6-111694395-A-G.
Other names: c.4929T>C, p.Gly1643= (NM_001286431.2, NM_001286432.2); c.5163T>C, p.Gly1721= (NM_002912.5).
Identifiers: ClinVar variation 741673 (VCV000741673.18), dbSNP rs150668935, ClinGen allele CA3961901.